The following is an entry in ClinVar:

NM_001164508.2(NEB):c.25404+1_25404+2insATGGA

Genes: NEB (nebulin; minus strand), RIF1 (replication timing regulatory factor 1; plus strand). Cytogenetic location: 2q23.3.
Variant type: Insertion.
Coding change: c.25404+1_25404+2insATGGA on transcript NM_001164508.2 (MANE Select); the canonical splice donor site of the intron after coding-DNA position 25404, ATGGA inserted.
Molecular consequence: splice donor variant.
Genome position: GRCh38 VCF-style: chr2-151489969-A-ATCCAT. GRCh37 (hg19) VCF-style: chr2-152346483-A-ATCCAT.
Other names: c.19836+1_19836+2insATGGA (NM_004543.5); c.25404+1_25404+2insATGGA (NM_001164507.2); c.25509+1_25509+2insATGGA (NM_001271208.2).
Identifiers: ClinVar variation 552180 (VCV000552180.3), dbSNP rs1357452519, ClinGen allele CA537029829.

ClinVar aggregate classification (germline): Uncertain significance. Review status: criteria provided, single submitter (1 of 4 stars). 2 submissions from 2 submitters: Uncertain significance (1). 1 of the submissions does not count toward it. Last evaluated 2025-02-24.

Conditions:
Nemaline myopathy. Also called: Myopathies, Nemaline. Identifiers: Orphanet 607, MedGen C0206157, MONDO:0018958.
Nemaline myopathy 2 (NEM2). Also called: Nemaline myopathy 2, autosomal recessive. Identifiers: MedGen C1850569, MONDO:0009725, OMIM 256030.

Allele frequency attached by ClinVar (database versions not stated): gnomAD exomes below 0.00001; gnomAD 0.00001; TOPMed 0.00001.

Submissions (2):

Broad Center for Mendelian Genomics, Broad Institute of MIT and Harvard
Classification: Uncertain significance for Nemaline myopathy. Last evaluated: 2025-02-24. Review status: criteria provided, single submitter. Criteria: ACMG Guidelines, 2015. Collection method: curation. Allele origin: germline. Inheritance: Autosomal recessive inheritance.
Comment: The c.25404+1_25404+2insATGGA variant in NEB has not been previously reported in the literature in individuals with nemaline myopathy, but has been identified in 0.0005% (6/1136840) of European (non-Finnish) chromosomes by the Genome Aggregation Database (gnomAD; dbSNP ID: rs1357452519). Although this variant has been seen in the general population in a heterozygous state, its frequency is low enough to be consistent with a recessive carrier frequency. This variant has also been reported in ClinVar (Variation ID: 552180) and has been interpreted as likely pathogenic by Counsyl. This variant is located in the 5' splice region. Computational tools predict a splicing impact, though this information is not predictive enough to determine pathogenicity. This alteration occurs within the terminal 50 bases of the second to last exon and is more likely to escape nonsense mediated decay (NMD) and result in a truncated protein. Loss of function of the NEB gene is an established disease mechanism in autosomal recessive nemaline myopathy. In summary, while there is some suspicion for a pathogenic role, the clinical significance of this variant is uncertain. ACMG/AMP Criteria applied: PVS1_strong, PM2_supporting (Richards 2015).

Counsyl
Classification: Likely pathogenic for Nemaline myopathy 2. Last evaluated: 2017-05-25. Review status: no assertion criteria provided. Collection method: clinical testing. Allele origin: unknown. Not counted in ClinVar's aggregate classification.